The following is an entry in ClinVar:

ClinVar aggregate classification (germline): Pathogenic/Likely pathogenic. Review status: criteria provided, multiple submitters, no conflicts (2 of 4 stars). 2 submissions from 2 submitters: Pathogenic (1); Likely pathogenic (1). Last evaluated 2022-06-08.

Conditions:
Fanconi anemia (FA). Also called: Fanconi's anemia. Identifiers: Orphanet 84, MedGen C0015625, MeSH D005199, MONDO:0019391.
Fanconi anemia complementation group C (FANCC). Also called: Fanconi anemia, group C; FANCC-Related Fanconi Anemia; FANCONI PANCYTOPENIA, TYPE 3; FACC. Identifiers: Orphanet 84, MedGen C3468041, MONDO:0009213, OMIM 227645.

Allele frequency attached by ClinVar (database versions not stated): gnomAD exomes below 0.00001.
gnomAD v4.1: 2 of 1,612,358 alleles (0.00012%); highest among the groups gnomAD compares: Non-Finnish European, 0.00017%; no homozygotes.

Submissions (2):

Labcorp Genetics (formerly Invitae), Labcorp
Classification: Pathogenic for Fanconi anemia. Last evaluated: 2022-06-08. Review status: criteria provided, single submitter. Criteria: Invitae Variant Classification Sherloc (09022015). Collection method: clinical testing. Allele origin: germline.
Comment: This variant is not present in population databases (gnomAD no frequency). For these reasons, this variant has been classified as Pathogenic. This variant has not been reported in the literature in individuals affected with FANCC-related conditions. This sequence change creates a premature translational stop signal (p.Trp92*) in the FANCC gene. It is expected to result in an absent or disrupted protein product. Loss-of-function variants in FANCC are known to be pathogenic (PMID: 17924555).

Baylor Genetics
Classification: Likely pathogenic for Fanconi anemia complementation group C. Last evaluated: 2022-03-21. Review status: criteria provided, single submitter. Criteria: ACMG Guidelines, 2015. Collection method: clinical testing. Allele origin: unknown.

Literature cited by the submitters: PubMed 17924555 (cited by Labcorp Genetics (formerly Invitae), Labcorp).

NM_000136.3(FANCC):c.276G>A (p.Trp92Ter)

Gene: FANCC (FA complementation group C; minus strand). Cytogenetic location: 9q22.32.
Variant type: single nucleotide variant.
Coding change: c.276G>A on transcript NM_000136.3 (MANE Select); coding-DNA position 276, G replaced by A.
Protein change: p.Trp92Ter; replaces tryptophan 92 with a stop codon.
Molecular consequence: nonsense.
Genome position (GRCh38, 1-based): chr9:95,240,718, C>T on the plus strand (G>A on the coding strand, the complement: FANCC is on the minus strand). VCF-style: chr9-95240718-C-T. GRCh37 (hg19) VCF-style: chr9-98003000-C-T.
Other names: c.276G>A, p.Trp92Ter (NM_001243743.2, NM_001243744.2); short protein forms W92*.
Identifiers: ClinVar variation 2136788 (VCV002136788.5), dbSNP rs2542756480, ClinGen allele CA374339431.
Genomic context (GRCh38, chr9:95,240,718, plus strand): 5'-GGAGTTAAGTTTTGATTGTCCAGAATTCTGTGGTTCTTTGTTAATTAGACAACATAAGCA[C>T]CATATTAGAATTTTTTGGCTTTCATCTACAAAAAGGAAAACTTAATAAGTTTTATCAAGC-3'